The following is an entry in ClinVar:

ClinVar aggregate classification (germline): Uncertain significance (1 of 4 stars; one submission).

Conditions:
Mucopolysaccharidosis, MPS-II (MPS2). Also called: Attenuated MPS (subtype; formerly known as mild MPS II); Severe MPS II; I2S deficiency; MPS 2; Hunter Syndrome; IDURONATE 2-SULFATASE DEFICIENCY. Identifiers: Orphanet 580, Orphanet 79388, MedGen C0026705, MONDO:0010674, OMIM 309900.

Submission:

MVZ Medizinische Genetik Mainz
Classification: Uncertain significance for Mucopolysaccharidosis, MPS-II. Last evaluated: 2025-07-07. Review status: criteria provided, single submitter. Criteria: UK Practice Guidelines For Variant Classification V4 01 2020. Collection method: clinical testing. Allele origin: germline. Inheritance: X-linked recessive inheritance. Affected: yes. Observed: 1 variant allele.
Comment: ACMG Criteria: PM5,PP3_MOD,PM2_SUP

NM_000202.8(IDS):c.1455A>G (p.Ile485Met)

Gene: IDS (iduronate 2-sulfatase; minus strand). Cytogenetic location: Xq28.
Variant type: single nucleotide variant.
Coding change: c.1455A>G on transcript NM_000202.8 (MANE Select); coding-DNA position 1455, A replaced by G.
Protein change: p.Ile485Met; replaces isoleucine 485 with methionine.
Molecular consequence: missense variant.
Genome position (GRCh38, 1-based): chrX:149,482,944, T>C on the plus strand (A>G on the coding strand, the complement: IDS is on the minus strand). VCF-style: chrX-149482944-T-C. GRCh37 (hg19) VCF-style: chrX-148564475-T-C.
Other names: c.1185A>G, p.Ile395Met (NM_001166550.4); short protein forms I395M, I485M.
Identifiers: ClinVar variation 4072212 (VCV004072212.1).